The following is an entry in ClinVar:

ClinVar aggregate classification (germline): Benign/Likely benign. Review status: criteria provided, multiple submitters, no conflicts (2 of 4 stars). 4 submissions from 4 submitters: Benign (1); Likely benign (3). Last evaluated 2025-04-20.

Conditions:
Familial cancer of breast. Also called: BREAST CANCER, FAMILIAL; Hereditary breast cancer; hereditary breast carcinoma. Identifiers: Orphanet 227535, MedGen C0346153, MONDO:0016419, OMIM 114480. Disease mechanism: loss of function.
Fanconi anemia complementation group J. Also called: BRIP1-Related Fanconi Anemia. Identifiers: Orphanet 84, MedGen C1836860, MONDO:0012187, OMIM 609054.
Hereditary cancer-predisposing syndrome. Also called: Neoplastic Syndromes, Hereditary; Hereditary Cancer Syndrome; Tumor predisposition; Hereditary neoplastic syndrome. Identifiers: Orphanet 140162, MedGen C0027672, MeSH D009386, MONDO:0015356.

Allele frequency attached by ClinVar (database versions not stated): gnomAD exomes below 0.00001; TOPMed below 0.00001; gnomAD 0.00001.
gnomAD v4.1: 2 of 1,613,368 alleles (0.00012%); highest among the groups gnomAD compares: African/African-American, 0.0013%; no homozygotes.

Submissions (4):

Labcorp Genetics (formerly Invitae), Labcorp
Classification: Likely benign for Familial cancer of breast; Fanconi anemia complementation group J. Last evaluated: 2025-04-20. Review status: criteria provided, single submitter. Criteria: Invitae Variant Classification Sherloc (09022015). Collection method: clinical testing. Allele origin: germline.

Myriad Genetics, Inc.
Classification: Benign for Familial cancer of breast. Last evaluated: 2024-09-10. Review status: criteria provided, single submitter. Criteria: Myriad Autosomal Dominant, Autosomal Recessive and X-Linked Classification Criteria (2023). Collection method: clinical testing. Allele origin: unknown.
Comment: This variant is considered benign. This variant is a silent/synonymous amino acid change and it is not expected to impact splicing.

Color Diagnostics, LLC DBA Color Health
Classification: Likely benign for Hereditary cancer-predisposing syndrome. Last evaluated: 2019-06-25. Review status: criteria provided, single submitter. Criteria: ACMG Guidelines, 2015. Collection method: clinical testing. Allele origin: germline.

Ambry Genetics
Classification: Likely benign for Hereditary cancer-predisposing syndrome. Last evaluated: 2015-12-04. Review status: criteria provided, single submitter. Criteria: Ambry Variant Classification Scheme 2023. Collection method: clinical testing. Allele origin: germline.

NM_032043.3(BRIP1):c.3381T>C (p.Asp1127=)

Gene: BRIP1 (BRCA1 interacting DNA helicase 1; minus strand). Cytogenetic location: 17q23.2.
Variant type: single nucleotide variant.
Coding change: c.3381T>C on transcript NM_032043.3 (MANE Select); coding-DNA position 3381, T replaced by C.
Protein change: p.Asp1127=; no amino-acid change (aspartic acid 1127 retained).
Molecular consequence: synonymous variant.
Genome position (GRCh38, 1-based): chr17:61,683,665, A>G on the plus strand (T>C on the coding strand, the complement: BRIP1 is on the minus strand). VCF-style: chr17-61683665-A-G. GRCh37 (hg19) VCF-style: chr17-59761026-A-G.
Identifiers: ClinVar variation 798329 (VCV000798329.16), dbSNP rs1403990854, ClinGen allele CA501335053.